The following is an entry in ClinVar:

NM_000350.3(ABCA4):c.2372A>G (p.Lys791Arg)

Gene: ABCA4 (ATP binding cassette subfamily A member 4; minus strand). Cytogenetic location: 1p22.1.
Variant type: single nucleotide variant.
Coding change: c.2372A>G on transcript NM_000350.3 (MANE Select); coding-DNA position 2372, A replaced by G.
Protein change: p.Lys791Arg; replaces lysine 791 with arginine.
Molecular consequence: missense variant.
Genome position (GRCh38, 1-based): chr1:94,056,611, T>C on the plus strand (A>G on the coding strand, the complement: ABCA4 is on the minus strand). VCF-style: chr1-94056611-T-C. GRCh37 (hg19) VCF-style: chr1-94522167-T-C.
Other names: short protein forms K791R.
Identifiers: ClinVar variation 2073911 (VCV002073911.4), dbSNP rs1570387324, ClinGen allele CA341277674.

ClinVar aggregate classification (germline): Uncertain significance (1 of 4 stars; one submission).

Submission:

Labcorp Genetics (formerly Invitae), Labcorp
Classification: Uncertain significance. Last evaluated: 2022-08-22. Review status: criteria provided, single submitter. Criteria: Invitae Variant Classification Sherloc (09022015). Collection method: clinical testing. Allele origin: germline.
Comment: In summary, the available evidence is currently insufficient to determine the role of this variant in disease. Therefore, it has been classified as a Variant of Uncertain Significance. Algorithms developed to predict the effect of missense changes on protein structure and function (SIFT, PolyPhen-2, Align-GVGD) all suggest that this variant is likely to be disruptive. This sequence change replaces lysine, which is basic and polar, with arginine, which is basic and polar, at codon 791 of the ABCA4 protein (p.Lys791Arg). This variant is not present in population databases (gnomAD no frequency). This variant has not been reported in the literature in individuals affected with ABCA4-related conditions.